The following is an entry in ClinVar:

NM_013266.4(CTNNA3):c.1186C>G (p.Leu396Val)

Gene: CTNNA3 (catenin alpha 3; minus strand). Cytogenetic location: 10q21.3.
Variant type: single nucleotide variant.
Coding change: c.1186C>G on transcript NM_013266.4 (MANE Select); coding-DNA position 1186, C replaced by G.
Protein change: p.Leu396Val; replaces leucine 396 with valine.
Molecular consequence: missense variant.
Genome position (GRCh38, 1-based): chr10:66,766,359, G>C on the plus strand (C>G on the coding strand, the complement: CTNNA3 is on the minus strand). VCF-style: chr10-66766359-G-C. GRCh37 (hg19) VCF-style: chr10-68526117-G-C.
Other names: c.1186C>G, p.Leu396Val (NM_001127384.3); short protein forms L396V.
Identifiers: ClinVar variation 580635 (VCV000580635.8), dbSNP rs376091500, ClinGen allele CA5520030.

ClinVar aggregate classification (germline): Uncertain significance. Review status: criteria provided, multiple submitters, no conflicts (2 of 4 stars). 2 submissions from 2 submitters: Uncertain significance (2). Last evaluated 2025-02-10.

Conditions:
CTNNA3-related disorder. Also called: CTNNA3-related condition.
Arrhythmogenic right ventricular dysplasia 13. Also called: ARRHYTHMOGENIC RIGHT VENTRICULAR CARDIOMYOPATHY 13; Arrhythmogenic right ventricular dysplasia, familial, 13. Identifiers: MedGen C3810138, MONDO:0000908, OMIM 615616.

Allele frequency attached by ClinVar (database versions not stated): gnomAD 0.00001; gnomAD exomes 0.00001 and 0.00002; TOPMed 0.00001; ExAC 0.00002; ESP Exome Variant Server 0.00008.
gnomAD v4.1: 24 of 1,613,566 alleles (0.0015%); highest among the groups gnomAD compares: Middle Eastern, 0.033%; no homozygotes.

Submissions (2):

Labcorp Genetics (formerly Invitae), Labcorp
Classification: Uncertain significance for Arrhythmogenic right ventricular dysplasia 13. Last evaluated: 2025-02-10. Review status: criteria provided, single submitter. Criteria: Invitae Variant Classification Sherloc (09022015). Collection method: clinical testing. Allele origin: germline.
Comment: This sequence change replaces leucine, which is neutral and non-polar, with valine, which is neutral and non-polar, at codon 396 of the CTNNA3 protein (p.Leu396Val). This variant is present in population databases (rs376091500, gnomAD 0.003%). This variant has not been reported in the literature in individuals affected with CTNNA3-related conditions. ClinVar contains an entry for this variant (Variation ID: 580635). Invitae Evidence Modeling of protein sequence and biophysical properties (such as structural, functional, and spatial information, amino acid conservation, physicochemical variation, residue mobility, and thermodynamic stability) has been performed for this missense variant. However, the output from this modeling did not meet the statistical confidence thresholds required to predict the impact of this variant on CTNNA3 protein function. In summary, the available evidence is currently insufficient to determine the role of this variant in disease. Therefore, it has been classified as a Variant of Uncertain Significance.

PreventionGenetics, part of Exact Sciences
Classification: Uncertain significance for CTNNA3-related condition. Last evaluated: 2024-10-10. Review status: criteria provided, single submitter. Criteria: ACMG Guidelines, 2015. Collection method: clinical testing. Allele origin: germline.
Comment: The CTNNA3 c.1186C>G variant is predicted to result in the amino acid substitution p.Leu396Val. To our knowledge, this variant has not been reported in the literature. This variant is reported in 0.0033% of alleles in individuals of South Asian descent in gnomAD. At this time, the clinical significance of this variant is uncertain due to the absence of conclusive functional and genetic evidence.